The following is an entry in ClinVar:

NM_000283.4(PDE6B):c.2352+2C>A

Gene: PDE6B (phosphodiesterase 6B; plus strand). Cytogenetic location: 4p16.3.
Variant type: single nucleotide variant.
Coding change: c.2352+2C>A on transcript NM_000283.4 (MANE Select); the canonical splice donor site of the intron after coding-DNA position 2352, C replaced by A.
Molecular consequence: splice donor variant.
Genome position (GRCh38, 1-based): chr4:666,616, C>A. VCF-style: chr4-666616-C-A. GRCh37 (hg19) VCF-style: chr4-660405-C-A.
Other names: c.2352+2C>A (NM_001145291.2); c.1515+2C>A (NM_001379246.1, NM_001379247.1, NM_001145292.2 and 1 more transcripts); c.1197+2C>A (NM_001350155.3).
Identifiers: ClinVar variation 956061 (VCV000956061.8), dbSNP rs751661904, ClinGen allele CA355920371.
Genomic context (GRCh38, chr4:666,616, plus strand): 5'-CCGAGCTCCCCAAGCTGCAAGTGGGCTTCATCGACTTCGTGTGCACATTCGTGTACAAGG[C>A]GAGTGGTTCACGGGTGTTCCGAGCTGACTGGGGCAGGGTGGCTGGGAGCAGGCAAGGGGG-3'

ClinVar aggregate classification (germline): Likely pathogenic (1 of 4 stars; one submission).

gnomAD v4.1: 1 of 1,601,402 alleles (0.000062%); highest among the groups gnomAD compares: Non-Finnish European, 0.000086%; no homozygotes.

Submission:

Labcorp Genetics (formerly Invitae), Labcorp
Classification: Likely pathogenic. Last evaluated: 2020-12-24. Review status: criteria provided, single submitter. Criteria: Invitae Variant Classification Sherloc (09022015). Collection method: clinical testing. Allele origin: germline.
Comment: In summary, the currently available evidence indicates that the variant is pathogenic, but additional data are needed to prove that conclusively. Therefore, this variant has been classified as Likely Pathogenic. Donor and acceptor splice site variants typically lead to a loss of protein function (PMID: 16199547), and loss-of-function variants in PDE6B are known to be pathogenic (PMID: 8394174, 8595886, 22334370). This variant has not been reported in the literature in individuals with PDE6B-related conditions. This variant is not present in population databases (ExAC no frequency). This sequence change affects a donor splice site in intron 20 of the PDE6B gene. It is expected to disrupt RNA splicing and likely results in an absent or disrupted protein product.

Literature cited by the submitters: PubMed 16199547; PubMed 8394174; PubMed 8595886; PubMed 22334370.